The following is an entry in ClinVar:

NM_001267727.2(ARSG):c.595G>A (p.Val199Met)

Gene: ARSG (arylsulfatase G; plus strand). Cytogenetic location: 17q24.2.
Variant type: single nucleotide variant.
Coding change: c.595G>A on transcript NM_001267727.2 (MANE Select); coding-DNA position 595, G replaced by A.
Protein change: p.Val199Met; replaces valine 199 with methionine.
Molecular consequence: missense variant.
Genome position (GRCh38, 1-based): chr17:68,356,695, G>A. VCF-style: chr17-68356695-G-A. GRCh37 (hg19) VCF-style: chr17-66352836-G-A.
Other names: c.595G>A (NM_014960.4); c.595G>A, p.Val199Met (NM_001352899.2, NM_001352900.2, NM_001352901.2 and 8 more transcripts); c.547G>A, p.Val183Met (NM_001352909.2); short protein forms V183M, V199M.
Identifiers: ClinVar variation 1169241 (VCV001169241.13), dbSNP rs186474907, ClinGen allele CA8728302.

ClinVar aggregate classification (germline): Benign/Likely benign. Review status: criteria provided, multiple submitters, no conflicts (2 of 4 stars). 4 submissions from 4 submitters: Benign (2); Likely benign (1). 1 of the submissions does not count toward it. Last evaluated 2026-01-18.

Conditions:
ARSG-related disorder. Also called: ARSG-related condition.

Allele frequency attached by ClinVar (database versions not stated): ESP Exome Variant Server 0.00023; TOPMed 0.00054; 1000 Genomes Project 30x 0.00062; 1000 Genomes Project 0.00080; ExAC 0.00099; gnomAD 0.00114 and 0.00119; gnomAD exomes 0.00128.
gnomAD v4.1: 1,158 of 1,614,184 alleles (0.072%); highest among the groups gnomAD compares: Middle Eastern, 0.23%; 4 homozygotes.

Submissions (4):

Labcorp Genetics (formerly Invitae), Labcorp
Classification: Benign. Last evaluated: 2026-01-18. Review status: criteria provided, single submitter. Criteria: Invitae Variant Classification Sherloc (09022015). Collection method: clinical testing. Allele origin: germline.

Blueprint Genetics
Classification: Likely benign. Last evaluated: 2024-11-27. Review status: criteria provided, single submitter. Criteria: ACMG Guidelines, 2015. Collection method: clinical testing. Allele origin: germline.

Breakthrough Genomics
Classification: Benign. Review status: criteria provided, single submitter. Criteria: ACMG Guidelines, 2015. Collection method: not provided. Allele origin: germline. Inheritance: Autosomal recessive inheritance. Affected: yes.

PreventionGenetics, part of Exact Sciences
Classification: Benign for ARSG-related condition. Last evaluated: 2019-08-20. Review status: no assertion criteria provided. Collection method: clinical testing. Allele origin: germline. Not counted in ClinVar's aggregate classification.
Comment: This variant is classified as benign based on ACMG/AMP sequence variant interpretation guidelines (Richards et al. 2015 PMID: 25741868, with internal and published modifications).